The following is an entry in ClinVar:

ClinVar aggregate classification (germline): Uncertain significance (1 of 4 stars; one submission).

Conditions:
Primary ciliary dyskinesia. Also called: Ciliary dyskinesia. Identifiers: Orphanet 244, MedGen C0008780, MONDO:0016575, HP:0012265.

Allele frequency attached by ClinVar (database versions not stated): gnomAD 0.00001.
gnomAD v4.1: 4 of 1,604,222 alleles (0.00025%); highest among the groups gnomAD compares: Non-Finnish European, 0.00034%; no homozygotes.

Submission:

Labcorp Genetics (formerly Invitae), Labcorp
Classification: Uncertain significance for Primary ciliary dyskinesia. Last evaluated: 2022-08-10. Review status: criteria provided, single submitter. Criteria: Invitae Variant Classification Sherloc (09022015). Collection method: clinical testing. Allele origin: germline.
Comment: Algorithms developed to predict the effect of sequence changes on RNA splicing suggest that this variant may create or strengthen a splice site. Algorithms developed to predict the effect of missense changes on protein structure and function (SIFT, PolyPhen-2, Align-GVGD) all suggest that this variant is likely to be tolerated. ClinVar contains an entry for this variant (Variation ID: 1682860). This sequence change replaces alanine, which is neutral and non-polar, with valine, which is neutral and non-polar, at codon 521 of the CCDC114 protein (p.Ala521Val). This variant has not been reported in the literature in individuals affected with CCDC114-related conditions. This variant is not present in population databases (gnomAD no frequency). In summary, the available evidence is currently insufficient to determine the role of this variant in disease. Therefore, it has been classified as a Variant of Uncertain Significance.

NM_001364171.2(ODAD1):c.1673C>T (p.Ala558Val)

Gene: ODAD1 (outer dynein arm docking complex subunit 1; minus strand). Cytogenetic location: 19q13.33.
Variant type: single nucleotide variant.
Coding change: c.1673C>T on transcript NM_001364171.2 (MANE Select); coding-DNA position 1673, C replaced by T.
Protein change: p.Ala558Val; replaces alanine 558 with valine.
Molecular consequence: missense variant.
Genome position (GRCh38, 1-based): chr19:48,297,427, G>A on the plus strand (C>T on the coding strand, the complement: ODAD1 is on the minus strand). VCF-style: chr19-48297427-G-A. GRCh37 (hg19) VCF-style: chr19-48800684-G-A.
Other names: c.1562C>T, p.Ala521Val (NM_144577.4); short protein forms A521V, A558V.
Identifiers: ClinVar variation 1682860 (VCV001682860.6), dbSNP rs1206811360, ClinGen allele CA406653596.